The following is an entry in ClinVar:

NM_001367624.2(ZNF469):c.5147C>T (p.Pro1716Leu)

Gene: ZNF469 (zinc finger protein 469; plus strand). Cytogenetic location: 16q24.2.
Variant type: single nucleotide variant.
Coding change: c.5147C>T on transcript NM_001367624.2 (MANE Select); coding-DNA position 5147, C replaced by T.
Protein change: p.Pro1716Leu; replaces proline 1716 with leucine.
Molecular consequence: missense variant.
Genome position (GRCh38, 1-based): chr16:88,432,617, C>T. VCF-style: chr16-88432617-C-T. GRCh37 (hg19) VCF-style: chr16-88499025-C-T.
Other names: NM_001127464.1:c.5063C>T; short protein forms P1716L.
Identifiers: ClinVar variation 2420155 (VCV002420155.4), dbSNP rs375253239, ClinGen allele CA8225047.

ClinVar aggregate classification (germline): Uncertain significance. Review status: criteria provided, multiple submitters, no conflicts (2 of 4 stars). 3 submissions from 3 submitters: Uncertain significance (3). Last evaluated 2026-04-10.

Conditions:
Cardiovascular phenotype. Identifiers: MedGen CN230736.

Allele frequency attached by ClinVar (database versions not stated): ESP Exome Variant Server 0.00022; gnomAD 0.00001; TOPMed 0.00002; ExAC 0.00005; 1000 Genomes Project 30x 0.00016.
gnomAD v4.1: 51 of 1,550,386 alleles (0.0033%); highest among the groups gnomAD compares: Admixed American, 0.0059%; no homozygotes.

Submissions (3):

Women's Health and Genetics/Laboratory Corporation of America, LabCorp
Classification: Uncertain significance. Last evaluated: 2026-04-10. Review status: criteria provided, single submitter. Criteria: LabCorp Variant Classification Summary - May 2015. Collection method: clinical testing. Allele origin: germline.
Comment: Variant summary: ZNF469 c.5147C>T (p.Pro1716Leu) results in a non-conservative amino acid change in the encoded protein sequence. Algorithms developed to predict the effect of missense changes on protein structure and function are either unavailable or do not agree on the potential impact of this missense change. The variant allele was found at a frequency of 2e-05 in 153796 control chromosomes. The available data on variant occurrences in the general population are insufficient to allow any conclusion about variant significance. To our knowledge, no occurrence of c.5147C>T in individuals affected with ZNF469-related conditions and no experimental evidence demonstrating its impact on protein function have been reported. ClinVar contains an entry for this variant (Variation ID: 2420155). Based on the evidence outlined above, the variant was classified as uncertain significance.

Ambry Genetics
Classification: Uncertain significance for Cardiovascular phenotype. Last evaluated: 2024-12-20. Review status: criteria provided, single submitter. Criteria: Ambry Variant Classification Scheme 2023. Collection method: clinical testing. Allele origin: germline.

Labcorp Genetics (formerly Invitae), Labcorp
Classification: Uncertain significance. Last evaluated: 2022-01-12. Review status: criteria provided, single submitter. Criteria: Invitae Variant Classification Sherloc (09022015). Collection method: clinical testing. Allele origin: germline.
Comment: This sequence change replaces proline, which is neutral and non-polar, with leucine, which is neutral and non-polar, at codon 1688 of the ZNF469 protein (p.Pro1688Leu). This variant is present in population databases (rs375253239, gnomAD 0.01%). This variant has not been reported in the literature in individuals affected with ZNF469-related conditions. Algorithms developed to predict the effect of missense changes on protein structure and function (SIFT, PolyPhen-2, Align-GVGD) all suggest that this variant is likely to be tolerated. In summary, the available evidence is currently insufficient to determine the role of this variant in disease. Therefore, it has been classified as a Variant of Uncertain Significance.